The following is an entry in ClinVar:

ClinVar aggregate classification (germline): Uncertain significance (1 of 4 stars; one submission).

Submission:

Labcorp Genetics (formerly Invitae), Labcorp
Classification: Uncertain significance. Last evaluated: 2025-04-29. Review status: criteria provided, single submitter. Criteria: Invitae Variant Classification Sherloc (09022015). Collection method: clinical testing. Allele origin: germline.
Comment: This sequence change replaces alanine, which is neutral and non-polar, with proline, which is neutral and non-polar, at codon 873 of the EPHB4 protein (p.Ala873Pro). This variant is not present in population databases (gnomAD no frequency). This variant has not been reported in the literature in individuals affected with EPHB4-related conditions. Invitae Evidence Modeling of protein sequence and biophysical properties (such as structural, functional, and spatial information, amino acid conservation, physicochemical variation, residue mobility, and thermodynamic stability) has been performed for this missense variant. However, the output from this modeling did not meet the statistical confidence thresholds required to predict the impact of this variant on EPHB4 protein function. In summary, the available evidence is currently insufficient to determine the role of this variant in disease. Therefore, it has been classified as a Variant of Uncertain Significance.

NM_004444.5(EPHB4):c.2617G>C (p.Ala873Pro)

Genes: EPHB4 (EPH receptor B4; minus strand), LOC126860124 (CDK7 strongly-dependent group 2 enhancer GRCh37_chr7:100403701-100404900; plus strand). Cytogenetic location: 7q22.1.
Variant type: single nucleotide variant.
Coding change: c.2617G>C on transcript NM_004444.5 (MANE Select); coding-DNA position 2617, G replaced by C.
Protein change: p.Ala873Pro; replaces alanine 873 with proline.
Molecular consequence: missense variant.
Genome position (GRCh38, 1-based): chr7:100,805,562, C>G on the plus strand (G>C on the coding strand, the complement: EPHB4 is on the minus strand). VCF-style: chr7-100805562-C-G. GRCh37 (hg19) VCF-style: chr7-100403184-C-G.
Other names: short protein forms A873P.
Identifiers: ClinVar variation 4747442 (VCV004747442.1).